The following is an entry in ClinVar:

ClinVar aggregate classification (germline): Uncertain significance. Review status: criteria provided, multiple submitters, no conflicts (2 of 4 stars). 2 submissions from 2 submitters: Uncertain significance (2). Last evaluated 2025-01-07.

Conditions:
Developmental and epileptic encephalopathy, 23 (DEE23). Also called: Epileptic encephalopathy, early infantile, 23. Identifiers: Orphanet 411986, MedGen C4014492, MONDO:0014371, OMIM 615859.
Inborn genetic diseases. Identifiers: MedGen C0950123, MeSH D030342.

Allele frequency attached by ClinVar (database versions not stated): gnomAD exomes 0.00001 and below 0.00001; ExAC 0.00001.
gnomAD v4.1: 2 of 1,614,006 alleles (0.00012%); highest among the groups gnomAD compares: South Asian, 0.0011%; no homozygotes.

Submissions (2):

Ambry Genetics
Classification: Uncertain significance for Inborn genetic diseases. Last evaluated: 2025-01-07. Review status: criteria provided, single submitter. Criteria: Ambry Variant Classification Scheme 2023. Collection method: clinical testing. Allele origin: germline.

Labcorp Genetics (formerly Invitae), Labcorp
Classification: Uncertain significance for Developmental and epileptic encephalopathy, 23. Last evaluated: 2021-03-29. Review status: criteria provided, single submitter. Criteria: Invitae Variant Classification Sherloc (09022015). Collection method: clinical testing. Allele origin: germline.
Comment: In summary, the available evidence is currently insufficient to determine the role of this variant in disease. Therefore, it has been classified as a Variant of Uncertain Significance. Algorithms developed to predict the effect of missense changes on protein structure and function (SIFT, PolyPhen-2, Align-GVGD) all suggest that this variant is likely to be tolerated, but these predictions have not been confirmed by published functional studies and their clinical significance is uncertain. This variant has not been reported in the literature in individuals with DOCK7-related conditions. This variant is present in population databases (rs756634660, ExAC 0.006%). This sequence change replaces isoleucine with threonine at codon 87 of the DOCK7 protein (p.Ile87Thr). The isoleucine residue is moderately conserved and there is a moderate physicochemical difference between isoleucine and threonine.

NM_001367561.1(DOCK7):c.260T>C (p.Ile87Thr)

Gene: DOCK7 (dedicator of cytokinesis 7; minus strand). Cytogenetic location: 1p31.3.
Variant type: single nucleotide variant.
Coding change: c.260T>C on transcript NM_001367561.1 (MANE Select); coding-DNA position 260, T replaced by C.
Protein change: p.Ile87Thr; replaces isoleucine 87 with threonine.
Molecular consequence: missense variant.
Genome position (GRCh38, 1-based): chr1:62,654,044, A>G on the plus strand (T>C on the coding strand, the complement: DOCK7 is on the minus strand). VCF-style: chr1-62654044-A-G. GRCh37 (hg19) VCF-style: chr1-63119715-A-G.
Other names: c.260T>C (NM_033407.2); c.260T>C, p.Ile87Thr (NM_001271999.2, NM_001272000.2, NM_001272001.2 and 3 more transcripts); short protein forms I87T.
Identifiers: ClinVar variation 1521285 (VCV001521285.9), dbSNP rs756634660, ClinGen allele CA887235.